The following is an entry in ClinVar:

ClinVar aggregate classification (germline): Uncertain significance (1 of 4 stars; one submission).

gnomAD v4.1: 45 of 1,612,802 alleles (0.0028%); highest among the groups gnomAD compares: Non-Finnish European, 0.0036%; no homozygotes.

Submission:

Athena Diagnostics
Classification: Uncertain significance. Last evaluated: 2023-12-15. Review status: criteria provided, single submitter. Criteria: Athena Diagnostics Criteria. Collection method: clinical testing. Allele origin: unknown.
Comment: Available data are insufficient to determine the clinical significance of the variant at this time. The frequency of this variant in the general population is uninformative in assessment of its pathogenicity. Computational tools predict that this variant is not damaging.

Literature cited by the submitters: PubMed 25333062.

NM_014855.3(AP5Z1):c.2267C>T (p.Thr756Ile)

Gene: AP5Z1 (adaptor related protein complex 5 subunit zeta 1; plus strand). Cytogenetic location: 7p22.1.
Variant type: single nucleotide variant.
Coding change: c.2267C>T on transcript NM_014855.3 (MANE Select); coding-DNA position 2267, C replaced by T.
Protein change: p.Thr756Ile; replaces threonine 756 with isoleucine.
Molecular consequence: missense variant. On other transcripts: non-coding transcript variant (1).
Genome position (GRCh38, 1-based): chr7:4,791,228, C>T. VCF-style: chr7-4791228-C-T. GRCh37 (hg19) VCF-style: chr7-4830859-C-T.
Other names: c.1799C>T, p.Thr600Ile (NM_001364858.1); short protein forms T600I, T756I.
Identifiers: ClinVar variation 3571912 (VCV003571912.1).